The following is an entry in ClinVar:

ClinVar aggregate classification (germline): Uncertain significance (1 of 4 stars; one submission).

Conditions:
PKD1-related disorder. Also called: PKD1-related condition.

Submission:

PreventionGenetics, part of Exact Sciences
Classification: Uncertain significance for PKD1-related condition. Last evaluated: 2026-02-17. Review status: criteria provided, single submitter. Criteria: ACMG Guidelines, 2015. Collection method: clinical testing. Allele origin: germline.
Comment: The PKD1 c.766G>C variant is predicted to result in the amino acid substitution p.Ala256Pro. To our knowledge, this variant has not been reported in the literature or in a large population database (gnomAD), indicating this variant is rare. At this time, the clinical significance of this variant is uncertain due to the absence of conclusive functional and genetic evidence.

NM_001009944.3(PKD1):c.766G>C (p.Ala256Pro)

Gene: PKD1 (polycystin 1, transient receptor potential channel interacting; minus strand). Cytogenetic location: 16p13.3.
Variant type: single nucleotide variant.
Coding change: c.766G>C on transcript NM_001009944.3 (MANE Select); coding-DNA position 766, G replaced by C.
Protein change: p.Ala256Pro; replaces alanine 256 with proline.
Molecular consequence: missense variant.
Genome position (GRCh38, 1-based): chr16:2,118,226, C>G on the plus strand (G>C on the coding strand, the complement: PKD1 is on the minus strand). VCF-style: chr16-2118226-C-G. GRCh37 (hg19) VCF-style: chr16-2168227-C-G.
Other names: c.766G>C, p.Ala256Pro (NM_000296.4); short protein forms A256P.
Identifiers: ClinVar variation 4995241 (VCV004995241.1).